The following is an entry in ClinVar:

NM_003850.3(SUCLA2):c.372-6T>C

Gene: SUCLA2 (succinate-CoA ligase ADP-forming subunit beta; minus strand). Cytogenetic location: 13q14.2.
Variant type: single nucleotide variant.
Coding change: c.372-6T>C on transcript NM_003850.3 (MANE Select); 6 bases into the intron before coding-DNA position 372, T replaced by C.
Molecular consequence: intron variant.
Genome position (GRCh38, 1-based): chr13:47,988,709, A>G on the plus strand (T>C on the coding strand, the complement: SUCLA2 is on the minus strand). VCF-style: chr13-47988709-A-G. GRCh37 (hg19) VCF-style: chr13-48562844-A-G.
Other names: p.?; c.372-6T>C (NM_003850.2).
Identifiers: ClinVar variation 1272107 (VCV001272107.14), dbSNP rs139004670, ClinGen allele CA6978006.

ClinVar aggregate classification (germline): Conflicting classifications of pathogenicity. Review status: criteria provided, conflicting classifications (1 of 4 stars). 6 submissions from 6 submitters: Uncertain significance (1); Likely benign (4). 1 of the submissions does not count toward it. Last evaluated 2026-01-06.

Conditions:
Mitochondrial DNA depletion syndrome, encephalomyopathic form with methylmalonic aciduria (MTDPS5). Also called: Mitochondrial encephalomyopathy aminoacidopathy; SUCLA2-Related Mitochondrial DNA Depletion Syndrome, Encephalomyopathic Form with Methylmalonic Aciduria; MITOCHONDRIAL DNA DEPLETION SYNDROME, ENCEPHALOMYOPATHIC FORM, WITH OR WITHOUT METHYLMALONIC ACIDURIA, AUTOSOMAL RECESSIVE, SUCLA2-RELATED; Mitochondrial DNA depletion syndrome 5 (encephalomyopathic with or without methylmalonic aciduria). Identifiers: Orphanet 1933, MedGen C5980207, MONDO:0012791, OMIM 612073.
Inborn genetic diseases. Identifiers: MedGen C0950123, MeSH D030342.
SUCLA2-related disorder. Also called: SUCLA2-related condition.

Allele frequency attached by ClinVar (database versions not stated): gnomAD exomes 0.00005 and 0.00009; ExAC 0.00013; 1000 Genomes Project 30x 0.00031; 1000 Genomes Project 0.00040; gnomAD 0.00045 and 0.00046; ESP Exome Variant Server 0.00046; TOPMed 0.00049.
gnomAD v4.1: 151 of 1,613,502 alleles (0.0094%); highest among the groups gnomAD compares: African/African-American, 0.17%; no homozygotes.

Submissions (6):

Labcorp Genetics (formerly Invitae), Labcorp
Classification: Likely benign for Mitochondrial DNA depletion syndrome, encephalomyopathic form with methylmalonic aciduria. Last evaluated: 2026-01-06. Review status: criteria provided, single submitter. Criteria: Invitae Variant Classification Sherloc (09022015). Collection method: clinical testing. Allele origin: germline.

Mayo Clinic Laboratories, Mayo Clinic
Classification: Likely benign. Last evaluated: 2025-10-12. Review status: criteria provided, single submitter. Criteria: ACMG Guidelines, 2015. Collection method: clinical testing. Allele origin: germline. Observed: 3 variant alleles.
Comment: BS1, BP4, BP7

Blueprint Genetics
Classification: Likely benign. Last evaluated: 2024-02-20. Review status: criteria provided, single submitter. Criteria: ACMG Guidelines, 2015. Collection method: clinical testing. Allele origin: germline.

Ambry Genetics
Classification: Uncertain significance for Inborn genetic diseases. Last evaluated: 2022-02-25. Review status: criteria provided, single submitter. Criteria: Ambry Variant Classification Scheme 2023. Collection method: clinical testing. Allele origin: germline.
Comment: The c.372-6T>C intronic alteration consists of a T to C substitution 6 nucleotides before coding exon 4 in the SUCLA2 gene. Based on insufficient or conflicting evidence, the clinical significance of this alteration remains unclear.

GeneDx
Classification: Likely benign. Last evaluated: 2019-05-24. Review status: criteria provided, single submitter. Criteria: GeneDx Variant Classification Process June 2021. Collection method: clinical testing. Allele origin: germline. Affected: yes.

PreventionGenetics, part of Exact Sciences
Classification: Likely benign for SUCLA2-related condition. Last evaluated: 2020-01-08. Review status: no assertion criteria provided. Collection method: clinical testing. Allele origin: germline. Not counted in ClinVar's aggregate classification.
Comment: This variant is classified as likely benign based on ACMG/AMP sequence variant interpretation guidelines (Richards et al. 2015 PMID: 25741868, with internal and published modifications).